The following is an entry in ClinVar:

ClinVar aggregate classification (germline): Uncertain significance. Review status: criteria provided, multiple submitters, no conflicts (2 of 4 stars). 2 submissions from 2 submitters: Uncertain significance (2). Last evaluated 2025-09-16.

Conditions:
Hereditary cancer-predisposing syndrome. Also called: Hereditary neoplastic syndrome; Tumor predisposition; Hereditary Cancer Syndrome; Neoplastic Syndromes, Hereditary. Identifiers: Orphanet 140162, MedGen C0027672, MeSH D009386, MONDO:0015356.
Familial cancer of breast. Also called: BREAST CANCER, FAMILIAL; hereditary breast carcinoma; Hereditary breast cancer. Identifiers: Orphanet 227535, MedGen C0346153, MONDO:0016419, OMIM 114480. Disease mechanism: loss of function.
Fanconi anemia complementation group J. Also called: BRIP1-Related Fanconi Anemia. Identifiers: Orphanet 84, MedGen C1836860, MONDO:0012187, OMIM 609054.

Submissions (2):

Ambry Genetics
Classification: Uncertain significance for Hereditary cancer-predisposing syndrome. Last evaluated: 2025-09-16. Review status: criteria provided, single submitter. Criteria: Ambry Variant Classification Scheme 2023. Collection method: clinical testing. Allele origin: germline.
Comment: The p.K14N variant (also known as c.42G>C), located in coding exon 1 of the BRIP1 gene, results from a G to C substitution at nucleotide position 42. The lysine at codon 14 is replaced by asparagine, an amino acid with similar properties. This amino acid position is conserved. In addition, this alteration is predicted to be tolerated by in silico analysis. Since supporting evidence is limited at this time, the clinical significance of this alteration remains unclear.

Labcorp Genetics (formerly Invitae), Labcorp
Classification: Uncertain significance for Familial cancer of breast; Fanconi anemia complementation group J. Last evaluated: 2023-10-16. Review status: criteria provided, single submitter. Criteria: Invitae Variant Classification Sherloc (09022015). Collection method: clinical testing. Allele origin: germline.
Comment: This sequence change replaces lysine, which is basic and polar, with asparagine, which is neutral and polar, at codon 14 of the BRIP1 protein (p.Lys14Asn). This variant is not present in population databases (gnomAD no frequency). This variant has not been reported in the literature in individuals affected with BRIP1-related conditions. ClinVar contains an entry for this variant (Variation ID: 1430596). Advanced modeling of protein sequence and biophysical properties (such as structural, functional, and spatial information, amino acid conservation, physicochemical variation, residue mobility, and thermodynamic stability) performed at Invitae indicates that this missense variant is not expected to disrupt BRIP1 protein function. Algorithms developed to predict the effect of sequence changes on RNA splicing suggest that this variant may disrupt the consensus splice site. In summary, the available evidence is currently insufficient to determine the role of this variant in disease. Therefore, it has been classified as a Variant of Uncertain Significance.

NM_032043.3(BRIP1):c.42G>C (p.Lys14Asn)

Gene: BRIP1 (BRCA1 interacting DNA helicase 1; minus strand). Cytogenetic location: 17q23.2.
Variant type: single nucleotide variant.
Coding change: c.42G>C on transcript NM_032043.3 (MANE Select); coding-DNA position 42, G replaced by C.
Protein change: p.Lys14Asn; replaces lysine 14 with asparagine.
Molecular consequence: missense variant.
Genome position (GRCh38, 1-based): chr17:61,861,498, C>G on the plus strand (G>C on the coding strand, the complement: BRIP1 is on the minus strand). VCF-style: chr17-61861498-C-G. GRCh37 (hg19) VCF-style: chr17-59938859-C-G.
Other names: c.42G>C (NM_032043.2); short protein forms K14N.
Identifiers: ClinVar variation 1430596 (VCV001430596.9), dbSNP rs2078972704, ClinGen allele CA400486012.